The following is an entry in ClinVar:

NM_018943.3(TUBA8):c.235C>T (p.Arg79Trp)

Gene: TUBA8 (tubulin alpha 8; plus strand). Cytogenetic location: 22q11.21.
Variant type: single nucleotide variant.
Coding change: c.235C>T on transcript NM_018943.3 (MANE Select); coding-DNA position 235, C replaced by T.
Protein change: p.Arg79Trp; replaces arginine 79 with tryptophan.
Molecular consequence: missense variant.
Genome position (GRCh38, 1-based): chr22:18,124,164, C>T. VCF-style: chr22-18124164-C-T. GRCh37 (hg19) VCF-style: chr22-18606931-C-T.
Other names: c.37C>T, p.Arg13Trp (NM_001193414.2); short protein forms R13W, R79W.
Identifiers: ClinVar variation 1387271 (VCV001387271.8), dbSNP rs746287573, ClinGen allele CA10093625.

ClinVar aggregate classification (germline): Uncertain significance (1 of 4 stars; one submission).

Allele frequency attached by ClinVar (database versions not stated): ExAC 0.00001; gnomAD exomes 0.00001 and 0.00002; TOPMed 0.00001.

Submission:

Labcorp Genetics (formerly Invitae), Labcorp
Classification: Uncertain significance. Last evaluated: 2022-07-19. Review status: criteria provided, single submitter. Criteria: Invitae Variant Classification Sherloc (09022015). Collection method: clinical testing. Allele origin: germline.
Comment: In summary, the available evidence is currently insufficient to determine the role of this variant in disease. Therefore, it has been classified as a Variant of Uncertain Significance. Algorithms developed to predict the effect of missense changes on protein structure and function (SIFT, PolyPhen-2, Align-GVGD) all suggest that this variant is likely to be disruptive. ClinVar contains an entry for this variant (Variation ID: 1387271). This missense change has been observed in individual(s) with clinical features of developmental and epileptic encephalopathy (PMID: 29588952). This variant is present in population databases (rs746287573, gnomAD 0.003%). This sequence change replaces arginine, which is basic and polar, with tryptophan, which is neutral and slightly polar, at codon 79 of the TUBA8 protein (p.Arg79Trp).

Literature cited by the submitters: PubMed 29588952.